The following is an entry in ClinVar:

NM_001286611.2(REPS1):c.1669C>G (p.His557Asp)

Gene: REPS1 (RALBP1 associated Eps domain containing 1; minus strand). Cytogenetic location: 6q24.1.
Variant type: single nucleotide variant.
Coding change: c.1669C>G on transcript NM_001286611.2 (MANE Select); coding-DNA position 1669, C replaced by G.
Protein change: p.His557Asp; replaces histidine 557 with aspartic acid.
Molecular consequence: missense variant. On other transcripts: intron variant (1).
Genome position (GRCh38, 1-based): chr6:138,915,909, G>C on the plus strand (C>G on the coding strand, the complement: REPS1 is on the minus strand). VCF-style: chr6-138915909-G-C. GRCh37 (hg19) VCF-style: chr6-139237046-G-C.
Other names: c.1588C>G, p.His530Asp (NM_001128617.3); c.1666C>G, p.His556Asp (NM_031922.5); c.1448-1148C>G (NM_001286612.2); short protein forms H557D, H556D, H530D.
Identifiers: ClinVar variation 2082006 (VCV002082006.4), dbSNP rs1254948420, ClinGen allele CA365808916.
Genomic context (GRCh38, chr6:138,915,909, plus strand): 5'-AGCCCCTACCTGTGGTGACTGTAAAGGTCCGATTCATATCTAAAGATGATGATCTAGAAT[G>C]AGAGGGCTGTGGCCTTGGAGGGGGAGGTGGTGGTGCAGTGTTATCAGGCGACGTTCCTGA-3'
Protein context (NP_001273540.1, residues 547-567): PPPPPRPQPS[His557Asp]SRSSSLDMNR

ClinVar aggregate classification (germline): Uncertain significance (1 of 4 stars; one submission).

Submission:

Labcorp Genetics (formerly Invitae), Labcorp
Classification: Uncertain significance. Last evaluated: 2022-03-29. Review status: criteria provided, single submitter. Criteria: Invitae Variant Classification Sherloc (09022015). Collection method: clinical testing. Allele origin: germline.
Comment: In summary, the available evidence is currently insufficient to determine the role of this variant in disease. Therefore, it has been classified as a Variant of Uncertain Significance. This variant has not been reported in the literature in individuals affected with REPS1-related conditions. This variant is present in population databases (no rsID available, gnomAD 0.0009%). This sequence change replaces histidine, which is basic and polar, with aspartic acid, which is acidic and polar, at codon 557 of the REPS1 protein (p.His557Asp). Algorithms developed to predict the effect of missense changes on protein structure and function are either unavailable or do not agree on the potential impact of this missense change (SIFT: "Tolerated"; PolyPhen-2: "Probably Damaging"; Align-GVGD: "Class C25").